The following is an entry in ClinVar:

ClinVar aggregate classification (germline): Uncertain significance (1 of 4 stars; one submission).

Conditions:
Cystic fibrosis (CF). Also called: MUCOVISCIDOSIS. Identifiers: Orphanet 586, MedGen C0010674, MONDO:0009061, OMIM 219700. Disease mechanism: loss of function.

Submission:

Ambry Genetics
Classification: Uncertain significance for Cystic fibrosis. Last evaluated: 2025-10-08. Review status: criteria provided, single submitter. Criteria: Ambry Variant Classification Scheme 2023. Collection method: clinical testing. Allele origin: germline.
Comment: The p.A1136P variant (also known as c.3406G>C), located in coding exon 21 of the CFTR gene, results from a G to C substitution at nucleotide position 3406. The alanine at codon 1136 is replaced by proline, an amino acid with highly similar properties. This amino acid position is conserved. In addition, this alteration is predicted to be deleterious by in silico analysis. Based on the available evidence, the clinical significance of this variant remains unclear.

NM_000492.4(CFTR):c.3406G>C (p.Ala1136Pro)

Genes: CFTR (CF transmembrane conductance regulator; plus strand), CFTR-AS2 (CFTR antisense RNA 2; minus strand). Cytogenetic location: 7q31.2.
Variant type: single nucleotide variant.
Coding change: c.3406G>C on transcript NM_000492.4 (MANE Select); coding-DNA position 3406, G replaced by C.
Protein change: p.Ala1136Pro; replaces alanine 1136 with proline.
Molecular consequence: missense variant.
Genome position (GRCh38, 1-based): chr7:117,614,651, G>C. VCF-style: chr7-117614651-G-C. GRCh37 (hg19) VCF-style: chr7-117254705-G-C.
Other names: short protein forms A1136P.
Identifiers: ClinVar variation 4647910 (VCV004647910.1).
Genomic context (GRCh38, chr7:117,614,651, plus strand): 5'-TACGTCTTTTGTGCATCTATAGGAGAAGGAGAAGGAAGAGTTGGTATTATCCTGACTTTA[G>C]CCATGAATATCATGAGTACATTGCAGTGGGCTGTAAACTCCAGCATAGATGTGGATAGCT-3'
Protein context (NP_000483.3, residues 1126-1146): EGRVGIILTL[Ala1136Pro]MNIMSTLQWA